The following is an entry in ClinVar:

ClinVar aggregate classification (germline): Pathogenic. Review status: criteria provided, single submitter (1 of 4 stars). 2 submissions from 2 submitters: Pathogenic (1). 1 of the submissions does not count toward it.

Conditions:
Wiedemann-Steiner syndrome (WDSTS). Also called: Growth deficiency and mental retardation with facial dysmorphism. Identifiers: Orphanet 319182, MedGen C1854630, MONDO:0011518, OMIM 605130.

Submissions (2):

Juno Genomics, Hangzhou Juno Genomics, Inc
Classification: Pathogenic for Wiedemann-Steiner syndrome. Review status: criteria provided, single submitter. Criteria: ACMG Guidelines, 2015. Collection method: clinical testing. Allele origin: germline. Affected: yes.
Comment: Absent from controls (or at extremely low frequency if recessive) in Genome Aggregation Database.;Null variant in a gene where loss of function (LOF) is a known mechanism of disease.;Patient's phenotype or family history is highly specific for a disease with a single genetic etiology.

Medical Genetics Lab, Xi'an People's Hospital(Xi'an Fourth Hospital)
Classification: Pathogenic for Wiedemann-Steiner syndrome. Review status: no assertion criteria provided. Collection method: clinical testing. Allele origin: de novo. Inheritance: Autosomal dominant inheritance. Affected: yes. Observed: 1 heterozygote. Not counted in ClinVar's aggregate classification.

NM_001197104.2(KMT2A):c.7302dup (p.Ser2435fs)

Gene: KMT2A (lysine methyltransferase 2A; plus strand). Cytogenetic location: 11q23.3.
Variant type: Duplication.
Coding change: c.7302dup on transcript NM_001197104.2 (MANE Select); coding-DNA position 7302, one base duplicated (A; older notation c.7302dupA).
Protein change: p.Ser2435fs; shifts the reading frame from serine 2435.
Molecular consequence: frameshift variant.
Genome position (GRCh38, 1-based): chr11:118,503,194, A duplicated; the last of 6 consecutive A bases (chr11:118,503,189-118,503,194); duplicating any one gives the same sequence. VCF-style (leftmost placement, unchanged base first): chr11-118503188-G-GA. GRCh37 (hg19) VCF-style: chr11-118373903-G-GA.
Other names: c.7293dup, p.Ser2432fs (NM_005933.4); short protein forms S2432fs, S2435fs.
Identifiers: ClinVar variation 1705262 (VCV001705262.3), dbSNP rs2496997547, ClinGen allele CA2580083615.